The following is an entry in ClinVar:

ClinVar aggregate classification (germline): Likely pathogenic (1 of 4 stars; one submission).

Conditions:
GPC3-related disorder. Also called: GPC3-related condition.

Submission:

PreventionGenetics, part of Exact Sciences
Classification: Likely pathogenic for GPC3-related condition. Last evaluated: 2025-12-22. Review status: criteria provided, single submitter. Criteria: ACMG Guidelines, 2015. Collection method: clinical testing. Allele origin: germline.
Comment: The GPC3 c.1553dupA variant is predicted to result in a frameshift and premature protein termination (p.Asn518Lysfs*12). To our knowledge, this variant has not been reported in the literature or in a large population database (gnomAD), indicating this variant is rare. Frameshift variants in GPC3 are expected to be pathogenic. This variant is interpreted as likely pathogenic.

NM_004484.4(GPC3):c.1553dup (p.Asn518fs)

Gene: GPC3 (glypican 3; minus strand). Cytogenetic location: Xq26.2.
Variant type: Duplication.
Coding change: c.1553dup on transcript NM_004484.4 (MANE Select); coding-DNA position 1553, one base duplicated (A; older notation c.1553dupA).
Protein change: p.Asn518fs; shifts the reading frame from asparagine 518.
Molecular consequence: frameshift variant.
Genome position (GRCh38, 1-based): chrX:133,596,460, T duplicated on the plus strand (A on the coding strand, the reverse complement: GPC3 is on the minus strand); the first of 2 consecutive T bases (chrX:133,596,460-133,596,461); duplicating either gives the same sequence. VCF-style (leftmost placement, unchanged base first): chrX-133596459-A-AT. GRCh37 (hg19) VCF-style: chrX-132730487-A-AT.
Other names: c.1622dup, p.Asn541fs (NM_001164617.2); c.1505dup, p.Asn502fs (NM_001164618.2); c.1391dup, p.Asn464fs (NM_001164619.2); c.1553dupA (NM_004484.3); short protein forms N464fs, N502fs, N518fs, N541fs.
Identifiers: ClinVar variation 4994985 (VCV004994985.1).